The following is an entry in ClinVar:

ClinVar aggregate classification (germline): Uncertain significance (0 of 4 stars; one submission).

Conditions:
Colorectal cancer. Also called: Colorectal cancer, somatic; Malignant Colorectal Neoplasm. Identifiers: MedGen C0346629, MONDO:0005575, OMIM 114500.

Submissions (2):

Brotman Baty Institute, University of Washington
No classification provided (evidence only). Condition: Breast-ovarian cancer, familial 1. Review status: no classification provided. Collection method: in vitro. Allele origin: not applicable. Functional consequence: functionally_normal. Not counted in ClinVar's aggregate classification.
ClinVar note: "not provided" was previously submitted as the classification for the variant. However, the classification appeared to be based only on an observation of functional data so it was converted to no classification on 2025-07-30.

Genomic Center, National Cancer Institute
Classification: Uncertain significance for Colorectal cancer. Review status: no assertion criteria provided. Collection method: case-control. Allele origin: germline. Affected: yes.

NM_007294.4(BRCA1):c.5232A>G (p.Arg1744=)

Gene: BRCA1 (BRCA1 DNA repair associated; minus strand). Cytogenetic location: 17q21.31.
Variant type: single nucleotide variant.
Coding change: c.5232A>G on transcript NM_007294.4 (MANE Select); coding-DNA position 5232, A replaced by G.
Protein change: p.Arg1744=; no amino-acid change (arginine 1744 retained).
Molecular consequence: synonymous variant.
Genome position (GRCh38, 1-based): chr17:43,057,097, T>C on the plus strand (A>G on the coding strand, the complement: BRCA1 is on the minus strand). VCF-style: chr17-43057097-T-C. GRCh37 (hg19) VCF-style: chr17-41209114-T-C.
Other names: c.5106A>G, p.Arg1702= (NM_001407674.1, NM_001407675.1, NM_001407676.1 and 10 more transcripts); c.5103A>G, p.Arg1701= (NM_001407681.1, NM_001407682.1, NM_001407683.1 and 6 more transcripts); c.5232A>G, p.Arg1744= (NM_001407684.1, NM_001407854.1, NM_001407593.1 and 7 more transcripts); c.5100A>G, p.Arg1700= (NM_001407690.1, NM_001407691.1); c.5091A>G, p.Arg1697= (NM_001407692.1, NM_001407694.1, NM_001407695.1 and 13 more transcripts); c.5088A>G, p.Arg1696= (NM_001407732.1, NM_001407733.1, NM_001407734.1 and 21 more transcripts); c.5085A>G, p.Arg1695= (NM_001407838.1, NM_001407839.1, NM_001407841.1 and 12 more transcripts); c.5229A>G, p.Arg1743= (NM_001407858.1, NM_001407859.1, NM_001407860.1 and 17 more transcripts); and 72 more.
Identifiers: ClinVar variation 867873 (VCV000867873.5), dbSNP rs2051514714, ClinGen allele CA500144716.
Genomic context (GRCh38, chr17:43,057,097, plus strand): 5'-GGGAGGGAGCTTTACCTTTCTGTCCTGGGATTCTCTTGCTCGCTTTGGACCTTGGTGGTT[T>C]CTTCCATTGACCACATCTCCTCTGACTTCAAAATCATGCTGAAAGAAACCAAACACAACC-3'
Protein context (NP_009225.1, residues 1734-1754): FEVRGDVVNG[Arg1744=]NHQGPKRARE